The following is an entry in ClinVar:

NM_032578.4(MYPN):c.2134G>C (p.Ala712Pro)

Gene: MYPN (myopalladin; plus strand). Cytogenetic location: 10q21.3.
Variant type: single nucleotide variant.
Coding change: c.2134G>C on transcript NM_032578.4 (MANE Select); coding-DNA position 2134, G replaced by C.
Protein change: p.Ala712Pro; replaces alanine 712 with proline.
Molecular consequence: missense variant. On other transcripts: non-coding transcript variant (2).
Genome position (GRCh38, 1-based): chr10:68,174,226, G>C. VCF-style: chr10-68174226-G-C. GRCh37 (hg19) VCF-style: chr10-69933983-G-C.
Other names: c.2134G>C, p.Ala712Pro (NM_001256267.2); c.1252G>C, p.Ala418Pro (NM_001256268.2); c.2134G>C (NM_032578.2); short protein forms A712P, A418P.
Identifiers: ClinVar variation 229033 (VCV000229033.15), dbSNP rs876657921, ClinGen allele CA10576799.

ClinVar aggregate classification (germline): Uncertain significance. Review status: criteria provided, multiple submitters, no conflicts (2 of 4 stars). 5 submissions from 5 submitters: Uncertain significance (5). Last evaluated 2026-01-21.

Conditions:
MYPN-related disorder. Also called: MYPN-related condition.
Cardiovascular phenotype. Identifiers: MedGen CN230736.
Dilated cardiomyopathy 1KK (CMD1KK). Identifiers: Orphanet 154, Orphanet 75249, MedGen C3714995, MONDO:0014100, OMIM 615248.

Allele frequency attached by ClinVar (database versions not stated): gnomAD exomes below 0.00001; gnomAD 0.00001; TOPMed 0.00001.
gnomAD v4.1: 8 of 1,613,850 alleles (0.0005%); highest among the groups gnomAD compares: South Asian, 0.0022%; no homozygotes.

Submissions (5):

PreventionGenetics, part of Exact Sciences
Classification: Uncertain significance for MYPN-related condition. Last evaluated: 2026-01-21. Review status: criteria provided, single submitter. Criteria: ACMG Guidelines, 2015. Collection method: clinical testing. Allele origin: germline.
Comment: The MYPN c.2134G>C variant is predicted to result in the amino acid substitution p.Ala712Pro. To our knowledge, this variant has not been reported in the literature. This variant is reported in 0.00088% of alleles in individuals of European (Non-Finnish) descent in gnomAD. At this time, the clinical significance of this variant is uncertain due to the absence of conclusive functional and genetic evidence.

Labcorp Genetics (formerly Invitae), Labcorp
Classification: Uncertain significance for Dilated cardiomyopathy 1KK. Last evaluated: 2024-10-28. Review status: criteria provided, single submitter. Criteria: Invitae Variant Classification Sherloc (09022015). Collection method: clinical testing. Allele origin: germline.
Comment: This sequence change replaces alanine, which is neutral and non-polar, with proline, which is neutral and non-polar, at codon 712 of the MYPN protein (p.Ala712Pro). This variant is present in population databases (no rsID available, gnomAD 0.0009%). This variant has not been reported in the literature in individuals affected with MYPN-related conditions. ClinVar contains an entry for this variant (Variation ID: 229033). An algorithm developed to predict the effect of missense changes on protein structure and function outputs the following: PolyPhen-2: "Benign". The proline amino acid residue is found in multiple mammalian species, which suggests that this missense change does not adversely affect protein function. In summary, the available evidence is currently insufficient to determine the role of this variant in disease. Therefore, it has been classified as a Variant of Uncertain Significance.

Blueprint Genetics
Classification: Uncertain significance. Last evaluated: 2024-05-16. Review status: criteria provided, single submitter. Criteria: ACMG Guidelines, 2015. Collection method: clinical testing. Allele origin: germline.

Ambry Genetics
Classification: Uncertain significance for Cardiovascular phenotype. Last evaluated: 2022-11-27. Review status: criteria provided, single submitter. Criteria: Ambry Variant Classification Scheme 2023. Collection method: clinical testing. Allele origin: germline.
Comment: The p.A712P variant (also known as c.2134G>C), located in coding exon 10 of the MYPN gene, results from a G to C substitution at nucleotide position 2134. The alanine at codon 712 is replaced by proline, an amino acid with highly similar properties. This amino acid position is conserved. In addition, this alteration is predicted to be tolerated by in silico analysis. Since supporting evidence is limited at this time, the clinical significance of this alteration remains unclear.

Laboratory for Molecular Medicine, Mass General Brigham Personalized Medicine
Classification: Uncertain significance. Last evaluated: 2015-03-30. Review status: criteria provided, single submitter. Criteria: LMM Criteria. Collection method: clinical testing. Allele origin: germline. Observed: 1 variant allele.
Comment: Variant classified as Uncertain Significance - Favor Benign. The p.Ala712Pro var iant in MYPN has not been previously reported in individuals with cardiomyopathy or in large population studies. Alanine (Ala) at position 712 is not conserved in mammals or evolutionarily distant species and at least 3 species, including t wo mammals (cat and black flying fox), carry a proline (Pro) at this position, r aising the possibility that this change may be tolerated. Additional computatio nal prediction tools suggest that this variant may not impact the protein, thoug h this information is not predictive enough to rule out pathogenicity. In summar y, while the clinical significance of the p.Ala712Pro variant is uncertain, the presence of the variant amino acid in multiple other species suggests that it is more likely to be benign.